The following is an entry in ClinVar:

NM_000038.6(APC):c.6271G>A (p.Gly2091Ser)

Gene: APC (APC regulator of Wnt signaling pathway; plus strand). Cytogenetic location: 5q22.2.
Variant type: single nucleotide variant.
Coding change: c.6271G>A on transcript NM_000038.6 (MANE Select); coding-DNA position 6271, G replaced by A.
Protein change: p.Gly2091Ser; replaces glycine 2091 with serine.
Molecular consequence: missense variant.
Genome position (GRCh38, 1-based): chr5:112,841,865, G>A. VCF-style: chr5-112841865-G-A. GRCh37 (hg19) VCF-style: chr5-112177562-G-A.
Other names: c.6271G>A, p.Gly2091Ser (NM_001127510.3, NM_001354895.2); c.6217G>A, p.Gly2073Ser (NM_001127511.3); c.6325G>A, p.Gly2109Ser (NM_001354896.2); c.6301G>A, p.Gly2101Ser (NM_001354897.2); c.6196G>A, p.Gly2066Ser (NM_001354898.2); c.6187G>A, p.Gly2063Ser (NM_001354899.2); c.6148G>A, p.Gly2050Ser (NM_001354900.2); c.6094G>A, p.Gly2032Ser (NM_001354901.2); and 5 more; short protein forms G1808S, G1990S, G2032S, G2073S, G1965S, G2063S, G2109S, G1931S.
Identifiers: ClinVar variation 864690 (VCV000864690.12), dbSNP rs745308565, ClinGen allele CA16035064.
Genomic context (GRCh38, chr5:112,841,865, plus strand): 5'-ATATTAGGTGAAGATCTGACACTTGATTTGAAAGATATACAGAGACCAGATTCAGAACAT[G>A]GTCTATCCCCTGATTCAGAAAATTTTGATTGGAAAGCTATTCAGGAAGGTGCAAATTCCA-3'
Protein context (NP_000029.2, residues 2081-2101): KDIQRPDSEH[Gly2091Ser]LSPDSENFDW

ClinVar aggregate classification (germline): Uncertain significance. Review status: criteria provided, single submitter (1 of 4 stars). 2 submissions from 2 submitters: Uncertain significance (1). 1 of the submissions does not count toward it. Last evaluated 2025-07-31.

Conditions:
Familial adenomatous polyposis 1 (FAP1). Also called: POLYPOSIS, ADENOMATOUS INTESTINAL; FAMILIAL ADENOMATOUS POLYPOSIS 1, ATTENUATED. Identifiers: MedGen C2713442, MONDO:0021056, OMIM 175100. Disease mechanism: loss of function.
Carcinoma of colon (CRC). Also called: Colonic carcinoma; Colon carcinoma. Identifiers: MedGen C0699790, MONDO:0002032.

Submissions (2):

Labcorp Genetics (formerly Invitae), Labcorp
Classification: Uncertain significance for Familial adenomatous polyposis 1. Last evaluated: 2025-07-31. Review status: criteria provided, single submitter. Criteria: Invitae Variant Classification Sherloc (09022015). Collection method: clinical testing. Allele origin: germline.
Comment: This sequence change replaces glycine, which is neutral and non-polar, with serine, which is neutral and polar, at codon 2091 of the APC protein (p.Gly2091Ser). This variant is not present in population databases (gnomAD no frequency). This variant has not been reported in the literature in individuals affected with APC-related conditions. ClinVar contains an entry for this variant (Variation ID: 864690). Invitae Evidence Modeling of protein sequence and biophysical properties (such as structural, functional, and spatial information, amino acid conservation, physicochemical variation, residue mobility, and thermodynamic stability) indicates that this missense variant is not expected to disrupt APC protein function with a negative predictive value of 95%. In summary, the available evidence is currently insufficient to determine the role of this variant in disease. Therefore, it has been classified as a Variant of Uncertain Significance.

Department of Pathology and Laboratory Medicine, Sinai Health System
Classification: Uncertain significance for Carcinoma of colon. Review status: no assertion criteria provided. Collection method: clinical testing. Allele origin: unknown. Affected: yes. Study: The Canadian Open Genetics Repository (COGR). Not counted in ClinVar's aggregate classification.
Comment: The APC p.Gly2091Ser variant was not identified in the literature nor was it identified in the dbSNP, ClinVar, LOVD 3.0, or UMD-LSDB, databases. The variant was not identified in the following control databases: the Exome Aggregation Consortium (August 8th 2016), or the Genome Aggregation Database (Feb 27, 2017). The p.Gly2091 residue is not conserved in mammals and four out of five computational analyses (PolyPhen-2, SIFT, AlignGVGD, BLOSUM, MutationTaster) do not suggest a high likelihood of impact to the protein; however, this information is not predictive enough to rule out pathogenicity. The variant occurs outside of the splicing consensus sequence and 1 of 4 in silico or computational prediction software programs (SpliceSiteFinder, MaxEntScan, NNSPLICE, GeneSplicer) predict a greater than 10% difference in splicing; this is not very predictive of pathogenicity. In summary, based on the above information the clinical significance of this variant cannot be determined with certainty at this time. This variant is classified as a variant of uncertain significance.